The following is an entry in ClinVar:

NM_001129820.2(SLFN14):c.1427C>G (p.Pro476Arg)

Genes: SLFN14 (schlafen family member 14; minus strand), LOC107985033 (uncharacterized LOC107985033; plus strand). Cytogenetic location: 17q12.
Variant type: single nucleotide variant.
Coding change: c.1427C>G on transcript NM_001129820.2 (MANE Select); coding-DNA position 1427, C replaced by G.
Protein change: p.Pro476Arg; replaces proline 476 with arginine.
Molecular consequence: missense variant. On other transcripts: non-coding transcript variant (2).
Genome position (GRCh38, 1-based): chr17:35,553,207, G>C on the plus strand (C>G on the coding strand, the complement: SLFN14 is on the minus strand). VCF-style: chr17-35553207-G-C. GRCh37 (hg19) VCF-style: chr17-33880226-G-C.
Other names: short protein forms P476R.
Identifiers: ClinVar variation 429635 (VCV000429635.4), dbSNP rs879704702, ClinGen allele CA290054888.

ClinVar aggregate classification (germline): Uncertain significance. Review status: criteria provided, multiple submitters, no conflicts (2 of 4 stars). 2 submissions from 2 submitters: Uncertain significance (2). Last evaluated 2025-02-28.

Conditions:
Inborn genetic diseases. Identifiers: MedGen C0950123, MeSH D030342.

Allele frequency attached by ClinVar (database versions not stated): gnomAD exomes 0.00001; TOPMed 0.00002; gnomAD 0.00002.
gnomAD v4.1: 36 of 1,551,520 alleles (0.0023%); highest among the groups gnomAD compares: Non-Finnish European, 0.0031%; no homozygotes.

Submissions (2):

Ambry Genetics
Classification: Uncertain significance for Inborn genetic diseases. Last evaluated: 2025-02-28. Review status: criteria provided, single submitter. Criteria: Ambry Variant Classification Scheme 2023. Collection method: clinical testing. Allele origin: germline.

GeneDx
Classification: Uncertain significance. Last evaluated: 2019-04-16. Review status: criteria provided, single submitter. Criteria: GeneDx Variant Classification Process June 2021. Collection method: clinical testing. Allele origin: germline. Affected: yes.
Comment: In silico analysis, which includes protein predictors and evolutionary conservation, supports that this variant does not alter protein structure/function; Has not been previously published as pathogenic or benign to our knowledge